The following is an entry in ClinVar:

NM_000090.4(COL3A1):c.1667G>A (p.Ser556Asn)

Gene: COL3A1 (collagen type III alpha 1 chain; plus strand). Cytogenetic location: 2q32.2.
Variant type: single nucleotide variant.
Coding change: c.1667G>A on transcript NM_000090.4 (MANE Select); coding-DNA position 1667, G replaced by A.
Protein change: p.Ser556Asn; replaces serine 556 with asparagine.
Molecular consequence: missense variant.
Genome position (GRCh38, 1-based): chr2:188,996,402, G>A. VCF-style: chr2-188996402-G-A. GRCh37 (hg19) VCF-style: chr2-189861128-G-A.
Other names: short protein forms S556N.
Identifiers: ClinVar variation 926564 (VCV000926564.8), dbSNP rs1688319466, ClinGen allele CA349852553.

ClinVar aggregate classification (germline): Uncertain significance. Review status: criteria provided, multiple submitters, no conflicts (2 of 4 stars). 3 submissions from 3 submitters: Uncertain significance (3). Last evaluated 2025-08-18.

Conditions:
Ehlers-Danlos syndrome, type 4 (EDSVASC). Also called: Ehlers-Danlos syndrome vascular type; Ehlers Danlos syndrome, ecchymotic type; Ehlers Danlos syndrome, arterial type; Ehlers Danlos syndrome, Sack-Barabas type; Ehlers-Danlos Syndrome Type IV. Identifiers: Orphanet 286, MedGen C0268338, MONDO:0017314, OMIM 130050.
Familial thoracic aortic aneurysm and aortic dissection (TAAD). Also called: Thoracic aortic aneurysms and dissections. Identifiers: Orphanet 91387, MedGen C4707243, MONDO:0019625.

Submissions (3):

Labcorp Genetics (formerly Invitae), Labcorp
Classification: Uncertain significance for Ehlers-Danlos syndrome, type 4. Last evaluated: 2025-08-18. Review status: criteria provided, single submitter. Criteria: Invitae Variant Classification Sherloc (09022015). Collection method: clinical testing. Allele origin: germline.
Comment: This sequence change replaces serine, which is neutral and polar, with asparagine, which is neutral and polar, at codon 556 of the COL3A1 protein (p.Ser556Asn). This variant is not present in population databases (gnomAD no frequency). This variant has not been reported in the literature in individuals affected with COL3A1-related conditions. ClinVar contains an entry for this variant (Variation ID: 926564). Invitae Evidence Modeling of protein sequence and biophysical properties (such as structural, functional, and spatial information, amino acid conservation, physicochemical variation, residue mobility, and thermodynamic stability) indicates that this missense variant is not expected to disrupt COL3A1 protein function with a negative predictive value of 95%. In summary, the available evidence is currently insufficient to determine the role of this variant in disease. Therefore, it has been classified as a Variant of Uncertain Significance.

All of Us Research Program, National Institutes of Health
Classification: Uncertain significance for Ehlers-Danlos syndrome, type 4. Last evaluated: 2024-03-24. Review status: criteria provided, single submitter. Criteria: ACMG Guidelines, 2015. Collection method: clinical testing. Allele origin: germline. Inheritance: Autosomal dominant inheritance. Observed: 2 variant alleles, 2 heterozygotes.
Comment: This missense variant replaces serine with asparagine at codon 556 of the COL3A1 protein. Computational prediction suggests that this variant may not impact protein structure and function (internally defined REVEL score threshold <= 0.5, PMID: 27666373). To our knowledge, functional studies have not been reported for this variant. This variant has not been reported in individuals affected with COL3A1-related disorders in the literature. This variant has not been identified in the general population by the Genome Aggregation Database (gnomAD). The available evidence is insufficient to determine the role of this variant in disease conclusively. Therefore, this variant is classified as a Variant of Uncertain Significance.

This study involves interpretation of variants in research participants for the purpose of population health screening. Participant phenotype was not available at the time of variant classification. Additional details can be found in publication PMID: 35346344, PMCID: PMC8962531

Color Diagnostics, LLC DBA Color Health
Classification: Uncertain significance for Familial thoracic aortic aneurysm and aortic dissection. Last evaluated: 2024-03-06. Review status: criteria provided, single submitter. Criteria: ACMG Guidelines, 2015. Collection method: clinical testing. Allele origin: germline.
Comment: This missense variant replaces serine with asparagine at codon 556 of the COL3A1 protein. Computational prediction suggests that this variant may not impact protein structure and function (internally defined REVEL score threshold <= 0.5, PMID: 27666373). To our knowledge, functional studies have not been reported for this variant. This variant has not been reported in individuals affected with COL3A1-related disorders in the literature. This variant has not been identified in the general population by the Genome Aggregation Database (gnomAD). The available evidence is insufficient to determine the role of this variant in disease conclusively. Therefore, this variant is classified as a Variant of Uncertain Significance.